The following is an entry in ClinVar:

NM_000180.4(GUCY2D):c.1162C>A (p.Pro388Thr)

Gene: GUCY2D (guanylate cyclase 2D, retinal; plus strand). Cytogenetic location: 17p13.1.
Variant type: single nucleotide variant.
Coding change: c.1162C>A on transcript NM_000180.4 (MANE Select); coding-DNA position 1162, C replaced by A.
Protein change: p.Pro388Thr; replaces proline 388 with threonine.
Molecular consequence: missense variant.
Genome position (GRCh38, 1-based): chr17:8,006,498, C>A. VCF-style: chr17-8006498-C-A. GRCh37 (hg19) VCF-style: chr17-7909816-C-A.
Other names: short protein forms P388T.
Identifiers: ClinVar variation 4982895 (VCV004982895.1).

ClinVar aggregate classification (germline): Uncertain significance (1 of 4 stars; one submission).

Conditions:
GUCY2D-related disorder. Also called: GUCY2D-related condition.

gnomAD v4.1: 6 of 1,608,816 alleles (0.00037%); highest among the groups gnomAD compares: Non-Finnish European, 0.00051%; no homozygotes.

Submission:

PreventionGenetics, part of Exact Sciences
Classification: Uncertain significance for GUCY2D-related condition. Last evaluated: 2025-01-06. Review status: criteria provided, single submitter. Criteria: ACMG Guidelines, 2015. Collection method: clinical testing. Allele origin: germline.
Comment: The GUCY2D c.1162C>A variant is predicted to result in the amino acid substitution p.Pro388Thr. To our knowledge, this variant has not been reported in the literature. This variant is reported in 0.0027% of alleles in individuals of European (Non-Finnish) descent in gnomAD. At this time, the clinical significance of this variant is uncertain due to the absence of conclusive functional and genetic evidence.